The following is an entry in ClinVar:

NM_004415.4(DSP):c.477T>G (p.Pro159=)

Gene: DSP (desmoplakin; plus strand). Cytogenetic location: 6p24.3.
Variant type: single nucleotide variant.
Coding change: c.477T>G on transcript NM_004415.4 (MANE Select); coding-DNA position 477, T replaced by G.
Protein change: p.Pro159=; no amino-acid change (proline 159 retained).
Molecular consequence: synonymous variant.
Genome position (GRCh38, 1-based): chr6:7,559,280, T>G. VCF-style: chr6-7559280-T-G. GRCh37 (hg19) VCF-style: chr6-7559513-T-G.
Other names: c.477T>G, p.Pro159= (NM_001008844.3, NM_001319034.2, NM_001406591.1).
Identifiers: ClinVar variation 3073163 (VCV003073163.1), dbSNP rs2533853406, ClinGen allele CA448513545.

ClinVar aggregate classification (germline): Likely benign (1 of 4 stars; one submission).

Conditions:
Arrhythmogenic cardiomyopathy with wooly hair and keratoderma. Also called: PALMOPLANTAR KERATODERMA WITH LEFT VENTRICULAR CARDIOMYOPATHY AND WOOLLY HAIR; Carvajal syndrome; Dilated cardiomyopathy with woolly hair and keratoderma; Arrhythmogenic cardiomyopathy with woolly hair and keratoderma. Identifiers: Orphanet 65282, MedGen C1854063, MONDO:0011581, OMIM 605676.

Submission:

All of Us Research Program, National Institutes of Health
Classification: Likely benign for Arrhythmogenic cardiomyopathy with wooly hair and keratoderma. Last evaluated: 2023-08-23. Review status: criteria provided, single submitter. Criteria: ACMG Guidelines, 2015. Collection method: clinical testing. Allele origin: germline. Inheritance: Autosomal dominant inheritance. Observed: 1 variant allele, 1 heterozygote.
Comment: This study involves interpretation of variants in research participants for the purpose of population health screening. Participant phenotype was not available at the time of variant classification. Additional details can be found in publication PMID: 35346344, PMCID: PMC8962531